The following is an entry in ClinVar:

ClinVar aggregate classification (germline): Uncertain significance. Review status: criteria provided, multiple submitters, no conflicts (2 of 4 stars). 2 submissions from 2 submitters: Uncertain significance (2). Last evaluated 2025-07-21.

Conditions:
Hereditary cancer-predisposing syndrome. Also called: Neoplastic Syndromes, Hereditary; Hereditary neoplastic syndrome; Tumor predisposition; Hereditary Cancer Syndrome. Identifiers: Orphanet 140162, MedGen C0027672, MeSH D009386, MONDO:0015356.
Tuberous sclerosis 2 (TSC2). Identifiers: Orphanet 805, MedGen C1860707, MONDO:0013199, OMIM 613254.

gnomAD v4.1: 3 of 1,612,466 alleles (0.00019%); highest among the groups gnomAD compares: South Asian, 0.0011%; no homozygotes.

Submissions (2):

Labcorp Genetics (formerly Invitae), Labcorp
Classification: Uncertain significance for Tuberous sclerosis 2. Last evaluated: 2025-07-21. Review status: criteria provided, single submitter. Criteria: Invitae Variant Classification Sherloc (09022015). Collection method: clinical testing. Allele origin: germline.
Comment: This sequence change replaces serine, which is neutral and polar, with threonine, which is neutral and polar, at codon 1386 of the TSC2 protein (p.Ser1386Thr). This variant is not present in population databases (gnomAD no frequency). This variant has not been reported in the literature in individuals affected with TSC2-related conditions. ClinVar contains an entry for this variant (Variation ID: 836569). Invitae Evidence Modeling of protein sequence and biophysical properties (such as structural, functional, and spatial information, amino acid conservation, physicochemical variation, residue mobility, and thermodynamic stability) indicates that this missense variant is not expected to disrupt TSC2 protein function with a negative predictive value of 95%. In summary, the available evidence is currently insufficient to determine the role of this variant in disease. Therefore, it has been classified as a Variant of Uncertain Significance.

Ambry Genetics
Classification: Uncertain significance for Hereditary cancer-predisposing syndrome. Last evaluated: 2024-10-13. Review status: criteria provided, single submitter. Criteria: Ambry Variant Classification Scheme 2023. Collection method: clinical testing. Allele origin: germline.
Comment: The p.S1386T variant (also known as c.4157G>C), located in coding exon 33 of the TSC2 gene, results from a G to C substitution at nucleotide position 4157. The serine at codon 1386 is replaced by threonine, an amino acid with similar properties. This amino acid position is conserved. In addition, the in silico prediction for this alteration is inconclusive. Based on the available evidence, the clinical significance of this variant remains unclear.

NM_000548.5(TSC2):c.4157G>C (p.Ser1386Thr)

Gene: TSC2 (TSC complex subunit 2; plus strand). Cytogenetic location: 16p13.3.
Variant type: single nucleotide variant.
Coding change: c.4157G>C on transcript NM_000548.5 (MANE Select); coding-DNA position 4157, G replaced by C.
Protein change: p.Ser1386Thr; replaces serine 1386 with threonine.
Molecular consequence: missense variant.
Genome position (GRCh38, 1-based): chr16:2,084,379, G>C. VCF-style: chr16-2084379-G-C. GRCh37 (hg19) VCF-style: chr16-2134380-G-C.
Other names: c.3956G>C, p.Ser1319Thr (NM_001077183.3); c.4088G>C, p.Ser1363Thr (NM_001114382.3); c.3848G>C, p.Ser1283Thr (NM_001318827.2); c.3812G>C, p.Ser1271Thr (NM_001318829.2); c.3425G>C, p.Ser1142Thr (NM_001318831.2); c.3989G>C, p.Ser1330Thr (NM_001318832.2); c.3959G>C, p.Ser1320Thr (NM_001363528.2); c.4025G>C, p.Ser1342Thr (NM_001370404.1); and 1 more; short protein forms S1319T, S1330T, S1386T, S1342T, S1343T, S1363T, S1142T, S1271T.
Identifiers: ClinVar variation 836569 (VCV000836569.12), dbSNP rs1555514071, ClinGen allele CA394299700.